The following is an entry in ClinVar:

NM_000256.3(MYBPC3):c.133G>A (p.Gly45Arg)

Gene: MYBPC3 (myosin binding protein C3; minus strand). Cytogenetic location: 11p11.2.
Variant type: single nucleotide variant.
Coding change: c.133G>A on transcript NM_000256.3 (MANE Select); coding-DNA position 133, G replaced by A.
Protein change: p.Gly45Arg; replaces glycine 45 with arginine.
Molecular consequence: missense variant.
Genome position (GRCh38, 1-based): chr11:47,351,398, C>T on the plus strand (G>A on the coding strand, the complement: MYBPC3 is on the minus strand). VCF-style: chr11-47351398-C-T. GRCh37 (hg19) VCF-style: chr11-47372949-C-T.
Other names: short protein forms G45R.
Identifiers: ClinVar variation 921040 (VCV000921040.17), dbSNP rs775837337, ClinGen allele CA044401.
Genomic context (GRCh38, chr11:47,351,398, plus strand): 5'-TATGCCGTGTGCCCTCTGTGGCCAGGCCGTACTTGTTGCTGGCGCTGATGTCACTGCCTC[C>T]GCGCTGCCAGCGCACCTTCACTCCTGCCCGCTCTGTCTCGGCCTCGAACACGGCAGGGCT-3'
Protein context (NP_000247.2, residues 35-55): RAGVKVRWQR[Gly45Arg]GSDISASNKY

ClinVar aggregate classification (germline): Conflicting classifications of pathogenicity. Review status: criteria provided, conflicting classifications (1 of 4 stars). 8 submissions from 8 submitters: Uncertain significance (5); Likely benign (1). 2 of the submissions do not count toward it. Last evaluated 2026-07-30.

Conditions:
Cardiomyopathy (CMYO). Also called: Cardiomyopathies. Identifiers: Orphanet 167848, MedGen C0878544, MONDO:0004994, HP:0001638. Inheritance: Various modes of inheritance.
Hypertrophic cardiomyopathy. Also called: HYPERTROPHIC MYOCARDIOPATHY. Identifiers: Orphanet 217569, MedGen C0007194, MeSH D002312, MONDO:0005045, HP:0001639.
Cardiovascular phenotype. Identifiers: MedGen CN230736.
Hypertrophic cardiomyopathy 4. Also called: Familial hypertrophic cardiomyopathy 4. Identifiers: MedGen C1861862, MONDO:0007268, OMIM 115197.
Left ventricular noncompaction 10 (LVNC10). Identifiers: Orphanet 154, Orphanet 54260, MedGen C3715165, MONDO:0014163, OMIM 615396.

Allele frequency attached by ClinVar (database versions not stated): gnomAD exomes 0.00001 and 0.00002; TOPMed below 0.00001; ExAC 0.00002.
gnomAD v4.1: 19 of 1,609,684 alleles (0.0012%); highest among the groups gnomAD compares: Non-Finnish European, 0.0014%; no homozygotes.

Submissions (8):

Ambry Genetics
Classification: Likely benign for Cardiovascular phenotype. Last evaluated: 2026-07-30. Review status: criteria provided, single submitter. Criteria: Ambry Variant Classification Scheme 2023. Collection method: clinical testing. Allele origin: germline.

Labcorp Genetics (formerly Invitae), Labcorp
Classification: Uncertain significance for Hypertrophic cardiomyopathy. Last evaluated: 2025-10-02. Review status: criteria provided, single submitter. Criteria: Invitae Variant Classification Sherloc (09022015). Collection method: clinical testing. Allele origin: germline.
Comment: This sequence change replaces glycine, which is neutral and non-polar, with arginine, which is basic and polar, at codon 45 of the MYBPC3 protein (p.Gly45Arg). The frequency data for this variant in the population databases is considered unreliable, as metrics indicate poor data quality at this position in the gnomAD database. This missense change has been observed in individual(s) with hypertrophic cardiomyopathy (PMID: 27841901, 33782553). ClinVar contains an entry for this variant (Variation ID: 921040). An algorithm developed to predict the effect of missense changes on protein structure and function outputs the following: PolyPhen-2: "Benign". The arginine amino acid residue is found in multiple mammalian species, which suggests that this missense change does not adversely affect protein function. In summary, the available evidence is currently insufficient to determine the role of this variant in disease. Therefore, it has been classified as a Variant of Uncertain Significance.

All of Us Research Program, National Institutes of Health
Classification: Uncertain significance for Hypertrophic cardiomyopathy. Last evaluated: 2024-08-06. Review status: criteria provided, single submitter. Criteria: ACMG Guidelines, 2015. Collection method: clinical testing. Allele origin: germline. Inheritance: Autosomal dominant inheritance. Observed: 6 variant alleles, 6 heterozygotes.
Comment: This missense variant replaces glycine with arginine at codon 45 of the MYBPC3 protein. Computational prediction suggests that this variant may not impact protein structure and function (internally defined REVEL score threshold <= 0.5, PMID: 27666373). To our knowledge, functional studies have not been reported for this variant. This variant has been reported in individuals affected with hypertrophic cardiomyopathy (PMID: 27841901, 32841044). It has also been reported in an individual affected with long QT syndrome (PMID: 31376648). This variant has been identified in 5/240712 chromosomes in the general population by the Genome Aggregation Database (gnomAD). The available evidence is insufficient to determine the role of this variant in disease conclusively. Therefore, this variant is classified as a Variant of Uncertain Significance.

This study involves interpretation of variants in research participants for the purpose of population health screening. Participant phenotype was not available at the time of variant classification. Additional details can be found in publication PMID: 35346344, PMCID: PMC8962531

GeneDx
Classification: Uncertain significance. Last evaluated: 2024-06-06. Review status: criteria provided, single submitter. Criteria: GeneDx Variant Classification Process June 2021. Collection method: clinical testing. Allele origin: germline. Affected: yes.
Comment: Identified in patients with HCM, DCM, and LQTS; at least one patient harbored additional cardiogenetic variants (PMID: 29875424, 31983221, 27841901, 31376648, 32841044); Not observed at significant frequency in large population cohorts (gnomAD); In silico analysis supports that this missense variant does not alter protein structure/function; This variant is associated with the following publications: (PMID: 33782553, 31376648, 27841901, 32841044, 29875424, 31983221)

Color Diagnostics, LLC DBA Color Health
Classification: Uncertain significance for Cardiomyopathy. Last evaluated: 2024-05-20. Review status: criteria provided, single submitter. Criteria: ACMG Guidelines, 2015. Collection method: clinical testing. Allele origin: germline.
Comment: This missense variant replaces glycine with arginine at codon 45 of the MYBPC3 protein. Computational prediction tools indicate that this variant has a neutral impact on protein structure and function. To our knowledge, functional studies have not been reported for this variant. This variant has been reported in two individuals affected with hypertrophic cardiomyopathy (PMID: 27841901, 32841044, 33782553). It has also been reported in one individual affected with long QT syndrome (PMID: 31376648). This variant has been identified in 5/240712 chromosomes in the general population by the Genome Aggregation Database (gnomAD). The available evidence is insufficient to determine the role of this variant in disease conclusively. Therefore, this variant is classified as a Variant of Uncertain Significance.

Fulgent Genetics
Classification: Uncertain significance for Hypertrophic cardiomyopathy 4; Left ventricular noncompaction 10. Last evaluated: 2021-09-28. Review status: criteria provided, single submitter. Criteria: ACMG Guidelines, 2015. Collection method: clinical testing. Allele origin: unknown.

Clinical Genetics DNA and cytogenetics Diagnostics Lab, Erasmus MC, Erasmus Medical Center
Classification: Uncertain significance. Review status: no assertion criteria provided. Collection method: clinical testing. Allele origin: germline. Affected: yes. Study: VKGL Data-share Consensus. Not counted in ClinVar's aggregate classification.

Genome Diagnostics Laboratory, University Medical Center Utrecht
Classification: Uncertain significance. Review status: no assertion criteria provided. Collection method: clinical testing. Allele origin: germline. Affected: yes. Study: VKGL Data-share Consensus. Not counted in ClinVar's aggregate classification.

Literature cited by the submitters: PubMed 27841901 (cited by 4 submitters); PubMed 29875424 (cited by Ambry Genetics); PubMed 31376648 (cited by 3 submitters); PubMed 31983221 (cited by Ambry Genetics); PubMed 32841044 (cited by 3 submitters); PubMed 33782553 (cited by 3 submitters).